The following is an entry in ClinVar:

NM_007254.4(PNKP):c.111C>A (p.Pro37=)

Gene: PNKP (polynucleotide kinase 3'-phosphatase; minus strand). Cytogenetic location: 19q13.33.
Variant type: single nucleotide variant.
Coding change: c.111C>A on transcript NM_007254.4 (MANE Select); coding-DNA position 111, C replaced by A.
Protein change: p.Pro37=; no amino-acid change (proline 37 retained).
Molecular consequence: synonymous variant.
Genome position (GRCh38, 1-based): chr19:49,867,094, G>T on the plus strand (C>A on the coding strand, the complement: PNKP is on the minus strand). VCF-style: chr19-49867094-G-T. GRCh37 (hg19) VCF-style: chr19-50370351-G-T.
Identifiers: ClinVar variation 760643 (VCV000760643.12), dbSNP rs781573473, ClinGen allele CA9587079.

ClinVar aggregate classification (germline): Likely benign. Review status: criteria provided, multiple submitters, no conflicts (2 of 4 stars). 3 submissions from 3 submitters: Likely benign (3). Last evaluated 2026-03-03.

Conditions:
Developmental and epileptic encephalopathy, 12 (DEE12). Identifiers: MedGen C3150988, MONDO:0013389, OMIM 613722.
PNKP-related disorder. Also called: PNKP-related disorders; PNKP-related condition.

Allele frequency attached by ClinVar (database versions not stated): gnomAD exomes below 0.00001 and 0.00001; ExAC 0.00001.

Submissions (3):

PreventionGenetics, part of Exact Sciences
Classification: Likely benign for PNKP-related condition. Last evaluated: 2026-03-03. Review status: criteria provided, single submitter. Criteria: ACMG Guidelines, 2015. Collection method: clinical testing. Allele origin: germline.
Comment: This variant is classified as likely benign based on ACMG/AMP sequence variant interpretation guidelines (Richards et al. 2015 PMID: 25741868, with internal and published modifications).

Labcorp Genetics (formerly Invitae), Labcorp
Classification: Likely benign for Developmental and epileptic encephalopathy, 12. Last evaluated: 2024-04-15. Review status: criteria provided, single submitter. Criteria: Invitae Variant Classification Sherloc (09022015). Collection method: clinical testing. Allele origin: germline.

GeneDx
Classification: Likely benign. Last evaluated: 2019-01-23. Review status: criteria provided, single submitter. Criteria: GeneDx Variant Classification Process June 2021. Collection method: clinical testing. Allele origin: germline. Affected: yes.